The following is an entry in ClinVar:

NM_001079843.3(CASZ1):c.2839G>C (p.Val947Leu)

Gene: CASZ1 (castor zinc finger 1; minus strand). Cytogenetic location: 1p36.22.
Variant type: single nucleotide variant.
Coding change: c.2839G>C on transcript NM_001079843.3 (MANE Select); coding-DNA position 2839, G replaced by C.
Protein change: p.Val947Leu; replaces valine 947 with leucine.
Molecular consequence: missense variant.
Genome position (GRCh38, 1-based): chr1:10,650,733, C>G on the plus strand (G>C on the coding strand, the complement: CASZ1 is on the minus strand). VCF-style: chr1-10650733-C-G. GRCh37 (hg19) VCF-style: chr1-10710790-C-G.
Other names: c.2839G>C, p.Val947Leu (NM_017766.5); short protein forms V947L.
Identifiers: ClinVar variation 1364094 (VCV001364094.8), dbSNP rs768009827, ClinGen allele CA17874689.

ClinVar aggregate classification (germline): Uncertain significance (1 of 4 stars; one submission).

Allele frequency attached by ClinVar (database versions not stated): gnomAD exomes 0.00001.
gnomAD v4.1: 8 of 1,614,162 alleles (0.0005%); highest among the groups gnomAD compares: Middle Eastern, 0.049%; no homozygotes.

Submission:

Labcorp Genetics (formerly Invitae), Labcorp
Classification: Uncertain significance. Last evaluated: 2024-07-08. Review status: criteria provided, single submitter. Criteria: Invitae Variant Classification Sherloc (09022015). Collection method: clinical testing. Allele origin: germline.
Comment: This sequence change replaces valine, which is neutral and non-polar, with leucine, which is neutral and non-polar, at codon 947 of the CASZ1 protein (p.Val947Leu). This variant is present in population databases (no rsID available, gnomAD 0.002%). This variant has not been reported in the literature in individuals affected with CASZ1-related conditions. ClinVar contains an entry for this variant (Variation ID: 1364094). Algorithms developed to predict the effect of missense changes on protein structure and function output the following: SIFT: "Not Available"; PolyPhen-2: "Benign"; Align-GVGD: "Not Available". The leucine amino acid residue is found in multiple mammalian species, which suggests that this missense change does not adversely affect protein function. In summary, the available evidence is currently insufficient to determine the role of this variant in disease. Therefore, it has been classified as a Variant of Uncertain Significance.